The following is an entry in ClinVar:

NM_014159.7(SETD2):c.2125C>T (p.Pro709Ser)

Gene: SETD2 (SET domain containing 2, histone lysine methyltransferase; minus strand). Cytogenetic location: 3p21.31.
Variant type: single nucleotide variant.
Coding change: c.2125C>T on transcript NM_014159.7 (MANE Select); coding-DNA position 2125, C replaced by T.
Protein change: p.Pro709Ser; replaces proline 709 with serine.
Molecular consequence: missense variant. On other transcripts: non-coding transcript variant (1).
Genome position (GRCh38, 1-based): chr3:47,122,511, G>A on the plus strand (C>T on the coding strand, the complement: SETD2 is on the minus strand). VCF-style: chr3-47122511-G-A. GRCh37 (hg19) VCF-style: chr3-47164001-G-A.
Other names: c.1993C>T, p.Pro665Ser (NM_001349370.3); short protein forms P665S, P709S.
Identifiers: ClinVar variation 3897193 (VCV003897193.1).

ClinVar aggregate classification (germline): Uncertain significance (1 of 4 stars; one submission).

Submission:

GeneDx
Classification: Uncertain significance. Last evaluated: 2024-10-31. Review status: criteria provided, single submitter. Criteria: GeneDx Variant Classification Process June 2021. Collection method: clinical testing. Allele origin: germline. Affected: yes.
Comment: Not observed at significant frequency in large population cohorts (gnomAD); In silico analysis supports that this missense variant has a deleterious effect on protein structure/function; Has not been previously published as pathogenic or benign to our knowledge